The following is an entry in ClinVar:

ClinVar aggregate classification (germline): Pathogenic. Review status: criteria provided, multiple submitters, no conflicts (2 of 4 stars). 2 submissions from 2 submitters: Pathogenic (2). Last evaluated 2026-01-28.

Conditions:
Von Hippel-Lindau syndrome (VHLS). Also called: von Hippel–Lindau syndrome; Von Hippel-Lindau; VHL syndrome. Identifiers: Orphanet 892, MedGen C0019562, MONDO:0008667, OMIM 193300. Disease mechanism: loss of function.
Chuvash polycythemia. Also called: POLYCYTHEMIA, VHL-DEPENDENT. Identifiers: Orphanet 238557, MedGen C1837915, MONDO:0009892, OMIM 263400.

Submissions (2):

Labcorp Genetics (formerly Invitae), Labcorp
Classification: Pathogenic for Von Hippel-Lindau syndrome; Chuvash polycythemia. Last evaluated: 2026-01-28. Review status: criteria provided, single submitter. Criteria: Invitae Variant Classification Sherloc (09022015). Collection method: clinical testing. Allele origin: germline.
Comment: This sequence change creates a premature translational stop signal (p.His110Profs*49) in the VHL gene. It is expected to result in an absent or disrupted protein product. Loss-of-function variants in VHL are known to be pathogenic (PMID: 8956040, 12202531). This variant is not present in population databases (gnomAD no frequency). This premature translational stop signal has been observed in individual(s) with von Hippel–Lindau syndrome (PMID: 28388566). ClinVar contains an entry for this variant (Variation ID: 560741). For these reasons, this variant has been classified as Pathogenic.

PreventionGenetics, part of Exact Sciences
Classification: Pathogenic. Last evaluated: 2018-06-05. Review status: criteria provided, single submitter. Criteria: ACMG Guidelines, 2015. Collection method: clinical testing. Allele origin: germline.

Literature cited by the submitters: PubMed 8956040 (cited by Labcorp Genetics (formerly Invitae), Labcorp); PubMed 12202531 (cited by Labcorp Genetics (formerly Invitae), Labcorp); PubMed 28388566 (cited by Labcorp Genetics (formerly Invitae), Labcorp).

NM_000551.4(VHL):c.329del (p.His110fs)

Gene: VHL (von Hippel-Lindau tumor suppressor; plus strand). Cytogenetic location: 3p25.3.
Variant type: Deletion.
Coding change: c.329del on transcript NM_000551.4 (MANE Select); coding-DNA position 329, one base deleted (A; older notation c.329delA).
Protein change: p.His110fs; shifts the reading frame from histidine 110.
Molecular consequence: frameshift variant.
Genome position (GRCh38, 1-based): chr3:10,142,176, A deleted. VCF-style (leftmost placement, unchanged base first): chr3-10142175-CA-C. GRCh37 (hg19) VCF-style: chr3-10183859-CA-C.
Other names: c.329delA (NM_000551.3); c.329del, p.His110fs (NM_001354723.2, NM_198156.3); short protein forms H110fs.
Identifiers: ClinVar variation 560741 (VCV000560741.6), dbSNP rs1559426199, ClinGen allele CA432420639.
Genomic context (GRCh38, chr3:10,142,175, plus strand): 5'-AACTTCGACGGCGAGCCGCAGCCCTACCCAACGCTGCCGCCTGGCACGGGCCGCCGCATC[CA>C]CAGCTACCGAGGTACGGGCCCGGCGCTTAGGCCCGACCCAGCAGGGACGATAGCACGGTC-3'